The following is an entry in ClinVar:

NM_000091.5(COL4A3):c.5006G>A (p.Arg1669Lys)

Genes: MFF-DT (MFF divergent transcript; minus strand), COL4A3 (collagen type IV alpha 3 chain; plus strand). Cytogenetic location: 2q36.3.
Variant type: single nucleotide variant.
Coding change: c.5006G>A on transcript NM_000091.5 (MANE Select); coding-DNA position 5006, G replaced by A.
Protein change: p.Arg1669Lys; replaces arginine 1669 with lysine.
Molecular consequence: missense variant.
Genome position (GRCh38, 1-based): chr2:227,311,863, G>A. VCF-style: chr2-227311863-G-A. GRCh37 (hg19) VCF-style: chr2-228176579-G-A.
Other names: short protein forms R1669K.
Identifiers: ClinVar variation 3357010 (VCV003357010.1).

ClinVar aggregate classification (germline): Uncertain significance (0 of 4 stars; one submission).

Conditions:
COL4A3-related disorder. Also called: COL4A3-related condition; COL4A3-Related Disorders.

Submission:

PreventionGenetics, part of Exact Sciences
Classification: Uncertain significance for COL4A3-related condition. Last evaluated: 2024-05-14. Review status: no assertion criteria provided. Collection method: clinical testing. Allele origin: germline.
Comment: The COL4A3 c.5006G>A variant is predicted to result in the amino acid substitution p.Arg1669Lys. To our knowledge, this variant has not been reported in the literature or in a large population database, indicating this variant is rare. At this time, the clinical significance of this variant is uncertain due to the absence of conclusive functional and genetic evidence.